The following is an entry in ClinVar:

ClinVar aggregate classification (germline): Uncertain significance. Review status: criteria provided, multiple submitters, no conflicts (2 of 4 stars). 2 submissions from 2 submitters: Uncertain significance (2). Last evaluated 2026-03-25.

Allele frequency attached by ClinVar (database versions not stated): gnomAD exomes below 0.00001.
gnomAD v4.1: 3 of 1,613,126 alleles (0.00019%); highest among the groups gnomAD compares: African/African-American, 0.0013%; no homozygotes.

Submissions (2):

GeneDx
Classification: Uncertain significance. Last evaluated: 2026-03-25. Review status: criteria provided, single submitter. Criteria: GeneDx Variant Classification Process June 2021. Collection method: clinical testing. Allele origin: germline.
Comment: Not observed at significant frequency in large population cohorts (gnomAD); In silico analysis supports that this missense variant has a deleterious effect on protein structure/function; Has not been previously published as pathogenic or benign to our knowledge

Labcorp Genetics (formerly Invitae), Labcorp
Classification: Uncertain significance. Last evaluated: 2024-06-19. Review status: criteria provided, single submitter. Criteria: Invitae Variant Classification Sherloc (09022015). Collection method: clinical testing. Allele origin: germline.
Comment: This sequence change replaces aspartic acid, which is acidic and polar, with asparagine, which is neutral and polar, at codon 170 of the OPA1 protein (p.Asp170Asn). This variant is not present in population databases (gnomAD no frequency). This variant has not been reported in the literature in individuals affected with OPA1-related conditions. ClinVar contains an entry for this variant (Variation ID: 2189346). Advanced modeling of protein sequence and biophysical properties (such as structural, functional, and spatial information, amino acid conservation, physicochemical variation, residue mobility, and thermodynamic stability) has been performed at Invitae for this missense variant, however the output from this modeling did not meet the statistical confidence thresholds required to predict the impact of this variant on OPA1 protein function. In summary, the available evidence is currently insufficient to determine the role of this variant in disease. Therefore, it has been classified as a Variant of Uncertain Significance.

NM_130837.3(OPA1):c.508G>A (p.Asp170Asn)

Gene: OPA1 (OPA1 mitochondrial dynamin like GTPase; plus strand). Cytogenetic location: 3q29.
Variant type: single nucleotide variant.
Coding change: c.508G>A on transcript NM_130837.3 (MANE Select); coding-DNA position 508, G replaced by A.
Protein change: p.Asp170Asn; replaces aspartic acid 170 with asparagine.
Molecular consequence: missense variant. On other transcripts: intron variant (5).
Genome position (GRCh38, 1-based): chr3:193,617,237, G>A. VCF-style: chr3-193617237-G-A. GRCh37 (hg19) VCF-style: chr3-193335026-G-A.
Other names: c.136G>A, p.Asp46Asn (NM_001354664.2); c.508G>A, p.Asp170Asn (NM_015560.3, NM_130834.3, NM_130836.3); c.76+1467G>A (NM_001354663.2); c.449-547G>A (NM_130835.3, NM_130832.3); c.448+1467G>A (NM_130833.3, NM_130831.3); short protein forms D170N, D46N.
Identifiers: ClinVar variation 2189346 (VCV002189346.5), dbSNP rs2474599256, ClinGen allele CA355787671.
Genomic context (GRCh38, chr3:193,617,237, plus strand): 5'-GAGAAAATTAGAAAAGCCCTTCCTAGTTCAGAAGACCTTGTAAAGTTAGCACCAGACTTT[G>A]ACAAGATTGTTGAAAGCCTTAGCTTATTGAAGGACTTTTTTACCTCAGGTAAGGAAGAAG-3'
Protein context (NP_570850.2, residues 160-180): EDLVKLAPDF[Asp170Asn]KIVESLSLLK